The following is an entry in ClinVar:

ClinVar aggregate classification (germline): Uncertain significance. Review status: criteria provided, multiple submitters, no conflicts (2 of 4 stars). 2 submissions from 2 submitters: Uncertain significance (2). Last evaluated 2024-03-05.

Conditions:
Cardiomyopathy (CMYO). Also called: Cardiomyopathies. Identifiers: Orphanet 167848, MedGen C0878544, MONDO:0004994, HP:0001638. Inheritance: Various modes of inheritance.
Hypertrophic cardiomyopathy. Also called: HYPERTROPHIC MYOCARDIOPATHY. Identifiers: Orphanet 217569, MedGen C0007194, MeSH D002312, MONDO:0005045, HP:0001639.

Allele frequency attached by ClinVar (database versions not stated): gnomAD exomes below 0.00001; TOPMed below 0.00001.
gnomAD v4.1: 1 of 1,601,062 alleles (0.000062%); highest among the groups gnomAD compares: Non-Finnish European, 0.000085%; no homozygotes.

Submissions (2):

All of Us Research Program, National Institutes of Health
Classification: Uncertain significance for Hypertrophic cardiomyopathy. Last evaluated: 2024-03-05. Review status: criteria provided, single submitter. Criteria: ACMG Guidelines, 2015. Collection method: clinical testing. Allele origin: germline. Inheritance: Autosomal dominant inheritance. Observed: 1 variant allele, 1 heterozygote.
Comment: This missense variant replaces arginine with serine at codon 10 of the TNNI3 protein. Computational prediction tools and conservation analyses suggest that this variant may not impact the protein function. Computational splicing tools suggest that this variant may not impact RNA splicing. To our knowledge, functional assays have not been performed for this variant nor has this variant been reported in individuals affected with cardiovascular disorders in the literature. This variant has not been identified in the general population by the Genome Aggregation Database (gnomAD). Available evidence is insufficient to determine the role of this variant in disease conclusively. Therefore, this variant is classified as a Variant of Uncertain Significance.

This study involves interpretation of variants in research participants for the purpose of population health screening. Participant phenotype was not available at the time of variant classification. Additional details can be found in publication PMID: 35346344, PMCID: PMC8962531

Color Diagnostics, LLC DBA Color Health
Classification: Uncertain significance for Cardiomyopathy. Last evaluated: 2023-12-05. Review status: criteria provided, single submitter. Criteria: ACMG Guidelines, 2015. Collection method: clinical testing. Allele origin: germline.
Comment: This missense variant replaces arginine with serine at codon 10 of the TNNI3 protein. Computational prediction tools and conservation analyses suggest that this variant may not impact the protein function. Computational splicing tools suggest that this variant may not impact RNA splicing. To our knowledge, functional assays have not been performed for this variant nor has this variant been reported in individuals affected with cardiovascular disorders in the literature. This variant has not been identified in the general population by the Genome Aggregation Database (gnomAD). Available evidence is insufficient to determine the role of this variant in disease conclusively. Therefore, this variant is classified as a Variant of Uncertain Significance.

NM_000363.5(TNNI3):c.30G>T (p.Arg10Ser)

Gene: TNNI3 (troponin I3, cardiac type; minus strand). Cytogenetic location: 19q13.42.
Variant type: single nucleotide variant.
Coding change: c.30G>T on transcript NM_000363.5 (MANE Select); coding-DNA position 30, G replaced by T.
Protein change: p.Arg10Ser; replaces arginine 10 with serine.
Molecular consequence: missense variant.
Genome position (GRCh38, 1-based): chr19:55,157,128, C>A on the plus strand (G>T on the coding strand, the complement: TNNI3 is on the minus strand). VCF-style: chr19-55157128-C-A. GRCh37 (hg19) VCF-style: chr19-55668496-C-A.
Other names: short protein forms R10S.
Identifiers: ClinVar variation 921210 (VCV000921210.6), dbSNP rs2085738998, ClinGen allele CA407443247.